The following is an entry in ClinVar:

NM_001031689.3(PLAA):c.145G>C (p.Asp49His)

Gene: PLAA (phospholipase A2 activating protein; minus strand). Cytogenetic location: 9p21.2.
Variant type: single nucleotide variant.
Coding change: c.145G>C on transcript NM_001031689.3 (MANE Select); coding-DNA position 145, G replaced by C.
Protein change: p.Asp49His; replaces aspartic acid 49 with histidine.
Molecular consequence: missense variant.
Genome position (GRCh38, 1-based): chr9:26,946,901, C>G on the plus strand (G>C on the coding strand, the complement: PLAA is on the minus strand). VCF-style: chr9-26946901-C-G. GRCh37 (hg19) VCF-style: chr9-26946899-C-G.
Other names: c.145G>C, p.Asp49His (NM_001321546.2); short protein forms D49H.
Identifiers: ClinVar variation 4737150 (VCV004737150.2).

ClinVar aggregate classification (germline): Uncertain significance. Review status: criteria provided, multiple submitters, no conflicts (2 of 4 stars). 2 submissions from 2 submitters: Uncertain significance (2). Last evaluated 2025-05-18.

gnomAD v4.1: 13 of 1,581,010 alleles (0.00082%); highest among the groups gnomAD compares: South Asian, 0.0012%; no homozygotes.

Submissions (2):

Labcorp Genetics (formerly Invitae), Labcorp
Classification: Uncertain significance. Last evaluated: 2025-05-18. Review status: criteria provided, single submitter. Criteria: Invitae Variant Classification Sherloc (09022015). Collection method: clinical testing. Allele origin: germline.
Comment: This sequence change replaces aspartic acid, which is acidic and polar, with histidine, which is basic and polar, at codon 49 of the PLAA protein (p.Asp49His). This variant is present in population databases (rs778579602, gnomAD 0.002%). This variant has not been reported in the literature in individuals affected with PLAA-related conditions. Invitae Evidence Modeling of protein sequence and biophysical properties (such as structural, functional, and spatial information, amino acid conservation, physicochemical variation, residue mobility, and thermodynamic stability) indicates that this missense variant is not expected to disrupt PLAA protein function with a negative predictive value of 80%. In summary, the available evidence is currently insufficient to determine the role of this variant in disease. Therefore, it has been classified as a Variant of Uncertain Significance.

Blueprint Genetics
Classification: Uncertain significance. Last evaluated: 2021-11-18. Review status: criteria provided, single submitter. Criteria: ACMG Guidelines, 2015. Collection method: clinical testing. Allele origin: germline.